The following is an entry in ClinVar:

NM_138295.5(PKD1L1):c.2604G>A (p.Arg868=)

Gene: PKD1L1 (polycystin 1 like 1, transient receptor potential channel interacting; minus strand). Cytogenetic location: 7p12.3.
Variant type: single nucleotide variant.
Coding change: c.2604G>A on transcript NM_138295.5 (MANE Select); coding-DNA position 2604, G replaced by A.
Protein change: p.Arg868=; no amino-acid change (arginine 868 retained).
Molecular consequence: synonymous variant.
Genome position (GRCh38, 1-based): chr7:47,890,613, C>T on the plus strand (G>A on the coding strand, the complement: PKD1L1 is on the minus strand). VCF-style: chr7-47890613-C-T. GRCh37 (hg19) VCF-style: chr7-47930211-C-T.
Other names: c.2604G>A (NM_138295.3).
Identifiers: ClinVar variation 2415847 (VCV002415847.8), dbSNP rs780124331, ClinGen allele CA4253682.

ClinVar aggregate classification (germline): Likely benign. Review status: criteria provided, multiple submitters, no conflicts (2 of 4 stars). 2 submissions from 2 submitters: Likely benign (2). Last evaluated 2026-07-20.

Conditions:
PKD1L1-related disorder. Also called: PKD1L1-related condition.

Allele frequency attached by ClinVar (database versions not stated): ExAC 0.00002; gnomAD 0.00002; gnomAD exomes 0.00004; TOPMed 0.00005.
gnomAD v4.1: 60 of 1,614,046 alleles (0.0037%); highest among the groups gnomAD compares: Admixed American, 0.012%; no homozygotes.

Submissions (2):

PreventionGenetics, part of Exact Sciences
Classification: Likely benign for PKD1L1-related condition. Last evaluated: 2026-07-20. Review status: criteria provided, single submitter. Criteria: ACMG Guidelines, 2015. Collection method: clinical testing. Allele origin: germline.
Comment: This variant is classified as likely benign based on ACMG/AMP sequence variant interpretation guidelines (Richards et al. 2015 PMID: 25741868, with internal and published modifications).

Labcorp Genetics (formerly Invitae), Labcorp
Classification: Likely benign. Last evaluated: 2025-01-23. Review status: criteria provided, single submitter. Criteria: Invitae Variant Classification Sherloc (09022015). Collection method: clinical testing. Allele origin: germline.